The following is an entry in ClinVar:

NM_004304.5(ALK):c.1408A>T (p.Met470Leu)

Gene: ALK (ALK receptor tyrosine kinase; minus strand). Cytogenetic location: 2p23.2.
Variant type: single nucleotide variant.
Coding change: c.1408A>T on transcript NM_004304.5 (MANE Select); coding-DNA position 1408, A replaced by T.
Protein change: p.Met470Leu; replaces methionine 470 with leucine.
Molecular consequence: missense variant.
Genome position (GRCh38, 1-based): chr2:29,328,356, T>A on the plus strand (A>T on the coding strand, the complement: ALK is on the minus strand). VCF-style: chr2-29328356-T-A. GRCh37 (hg19) VCF-style: chr2-29551222-T-A.
Other names: short protein forms M470L.
Identifiers: ClinVar variation 3637557 (VCV003637557.2).

ClinVar aggregate classification (germline): Uncertain significance (1 of 4 stars; one submission).

Conditions:
Neuroblastoma, susceptibility to, 3. Also called: ALK-Related Neuroblastic Tumor Susceptibility. Identifiers: Orphanet 635, MedGen C2751681, MONDO:0013083, OMIM 613014.

Submission:

Labcorp Genetics (formerly Invitae), Labcorp
Classification: Uncertain significance for Neuroblastoma, susceptibility to, 3. Last evaluated: 2024-01-31. Review status: criteria provided, single submitter. Criteria: Invitae Variant Classification Sherloc (09022015). Collection method: clinical testing. Allele origin: germline.
Comment: This sequence change replaces methionine, which is neutral and non-polar, with leucine, which is neutral and non-polar, at codon 470 of the ALK protein (p.Met470Leu). This variant is not present in population databases (gnomAD no frequency). This variant has not been reported in the literature in individuals affected with ALK-related conditions. Algorithms developed to predict the effect of missense changes on protein structure and function output the following: SIFT: "Not Available"; PolyPhen-2: "Benign"; Align-GVGD: "Not Available". The leucine amino acid residue is found in multiple mammalian species, which suggests that this missense change does not adversely affect protein function. In summary, the available evidence is currently insufficient to determine the role of this variant in disease. Therefore, it has been classified as a Variant of Uncertain Significance.